The following is an entry in ClinVar:

ClinVar aggregate classification (germline): Likely pathogenic. Review status: criteria provided, multiple submitters, no conflicts (2 of 4 stars). 2 submissions from 2 submitters: Likely pathogenic (2). Last evaluated 2025-01-06.

Conditions:
Split hand-foot malformation 4. Also called: Split-Hand/Foot Malformation Type 4 (SHFM4); Split-Hand/Foot Malformation Type 4 (SHFM4 syndrome). Identifiers: Orphanet 2440, MedGen C1854442, MONDO:0011535, OMIM 605289.

Submissions (2):

Key Laboratory in Science and Technology Development Project of Suzhou (CN), Pediatric Orthopedics, Children’s Hospital of Soochow University
Classification: Likely pathogenic for Split hand-foot malformation 4. Last evaluated: 2025-01-06. Review status: criteria provided, single submitter. Criteria: ACMG Guidelines, 2015. Collection method: research. Allele origin: germline. Affected: yes. Observed: 1 heterozygote. Segregation with disease observed.
Comment: Classified as Likely pathogenic per ACMG criteria: PM2 (absent in gnomAD v4.1.0), PP1 (co-segregated with the split-hand/foot malformation phenotype in a three-generation family), PP3 (predicted deleterious by in silico tools: REVEL score 0.85, SIFT “Deleterious”).

McKusick-Zhang Center for Genetic Medicine, Institute of Basic Medical Sciences, Chinese Academy of Medical Sciences, School of Basic Medicine, Peking Union Medical College
Classification: Likely pathogenic for Split hand-foot malformation 4. Last evaluated: 2024-04-26. Review status: criteria provided, single submitter. Criteria: ACMG Guidelines, 2015. Collection method: research. Allele origin: germline. Affected: yes. Observed: 4 variant alleles.
Comment: In a Chinese family with autosomal dominant split hand/foot malformation, the c.2032G>C, p.(Glu678Gln) variant in TP63 gene was observed co-segregating with the limb malformation. Both c.2032G>C and p.Glu678Gln have not been documented in healthy population database (dbSNP or gnomAD), and a nonsense mutation p.Glu678* has been reported to cause SHFM4 (van Bokhoven et al., 2001). The Glu678 is a conserved residue in a SUMOylation site of p63 proteins. In addition, in silico predictions by most algorithms suggest the c.2032G>C (p.Glu678Gln) is damaging. In summary, the NM_003722.5: c.2032G>C, p.(Glu678Gln) variant can be classified as likely pathogenic according to the ACMG/AMP 2015 guideline, based on co-segregation, absence from controls, critical location, and in silico prediction evidence.

NM_003722.5(TP63):c.2032G>C (p.Glu678Gln)

Gene: TP63 (tumor protein p63; plus strand). Cytogenetic location: 3q28.
Variant type: single nucleotide variant.
Coding change: c.2032G>C on transcript NM_003722.5 (MANE Select); coding-DNA position 2032, G replaced by C.
Protein change: p.Glu678Gln; replaces glutamic acid 678 with glutamine.
Molecular consequence: missense variant. On other transcripts: 3 prime UTR variant (6).
Genome position (GRCh38, 1-based): chr3:189,894,491, G>C. VCF-style: chr3-189894491-G-C. GRCh37 (hg19) VCF-style: chr3-189612280-G-C.
Other names: c.*270G>C (NM_001114978.2, NM_001114981.2); c.1750G>C, p.Glu584Gln (NM_001114980.2); c.*260G>C (NM_001329144.2, NM_001329145.2, NM_001329149.2 and 1 more transcripts); c.1495G>C, p.Glu499Gln (NM_001329146.2); c.2020G>C, p.Glu674Gln (NM_001329148.2); c.2026G>C, p.Glu676Gln (NM_001329964.2); short protein forms E499Q, E584Q, E674Q, E676Q, E678Q.
Identifiers: ClinVar variation 3233406 (VCV003233406.3).